The following is an entry in ClinVar:

NM_003321.5(TUFM):c.635A>G (p.Lys212Arg)

Gene: TUFM (Tu translation elongation factor, mitochondrial; minus strand). Cytogenetic location: 16p11.2.
Variant type: single nucleotide variant.
Coding change: c.635A>G on transcript NM_003321.5 (MANE Select); coding-DNA position 635, A replaced by G.
Protein change: p.Lys212Arg; replaces lysine 212 with arginine.
Molecular consequence: missense variant.
Genome position (GRCh38, 1-based): chr16:28,844,747, T>C on the plus strand (A>G on the coding strand, the complement: TUFM is on the minus strand). VCF-style: chr16-28844747-T-C. GRCh37 (hg19) VCF-style: chr16-28856068-T-C.
Other names: c.635A>G, p.Lys212Arg (NM_001365360.2); short protein forms K212R.
Identifiers: ClinVar variation 3341012 (VCV003341012.1).

ClinVar aggregate classification (germline): Uncertain significance (1 of 4 stars; one submission).

Submission:

GeneDx
Classification: Uncertain significance. Last evaluated: 2023-12-27. Review status: criteria provided, single submitter. Criteria: GeneDx Variant Classification Process June 2021. Collection method: clinical testing. Allele origin: germline. Affected: yes.
Comment: Not observed at significant frequency in large population cohorts (gnomAD); In silico analysis supports that this missense variant does not alter protein structure/function; Has not been previously published as pathogenic or benign to our knowledge